The following is an entry in ClinVar:

NM_004859.4(CLTC):c.4957G>C (p.Ala1653Pro)

Gene: CLTC (clathrin heavy chain; plus strand). Cytogenetic location: 17q23.1.
Variant type: single nucleotide variant.
Coding change: c.4957G>C on transcript NM_004859.4 (MANE Select); coding-DNA position 4957, G replaced by C.
Protein change: p.Ala1653Pro; replaces alanine 1653 with proline.
Molecular consequence: missense variant.
Genome position (GRCh38, 1-based): chr17:59,693,781, G>C. VCF-style: chr17-59693781-G-C. GRCh37 (hg19) VCF-style: chr17-57771142-G-C.
Other names: c.4969G>C, p.Ala1657Pro (NM_001288653.2); short protein forms A1657P, A1653P.
Identifiers: ClinVar variation 1493666 (VCV001493666.8), dbSNP rs2143622776, ClinGen allele CA400425798.
Genomic context (GRCh38, chr17:59,693,781, plus strand): 5'-ACTGTAGGTCAGCCCCAGTTGATGCTGACAGCAGGACCCAGTGTTGCCGTCCCTCCCCAG[G>C]CACCTTTTGGTTATGGTTATACCGCACCACCGTATGGACAGCCACAGCCTGGCTTTGGGT-3'
Protein context (NP_004850.1, residues 1643-1663): AGPSVAVPPQ[Ala1653Pro]PFGYGYTAPP

ClinVar aggregate classification (germline): Uncertain significance (1 of 4 stars; one submission).

Submission:

Labcorp Genetics (formerly Invitae), Labcorp
Classification: Uncertain significance. Last evaluated: 2023-12-07. Review status: criteria provided, single submitter. Criteria: Invitae Variant Classification Sherloc (09022015). Collection method: clinical testing. Allele origin: germline.
Comment: This sequence change replaces alanine, which is neutral and non-polar, with proline, which is neutral and non-polar, at codon 1657 of the CLTC protein (p.Ala1657Pro). This variant is not present in population databases (gnomAD no frequency). This variant has not been reported in the literature in individuals affected with CLTC-related conditions. ClinVar contains an entry for this variant (Variation ID: 1493666). Experimental studies and prediction algorithms are not available or were not evaluated, and the functional significance of this variant is currently unknown. In summary, the available evidence is currently insufficient to determine the role of this variant in disease. Therefore, it has been classified as a Variant of Uncertain Significance.